The following is an entry in ClinVar:

ClinVar aggregate classification (germline): Likely benign. Review status: criteria provided, multiple submitters, no conflicts (2 of 4 stars). 2 submissions from 2 submitters: Likely benign (2). Last evaluated 2021-11-20.

Allele frequency attached by ClinVar (database versions not stated): ESP Exome Variant Server 0.00736; gnomAD exomes 0.00080 and 0.00188; ExAC 0.00268; 1000 Genomes Project 30x 0.00547; 1000 Genomes Project 0.00559; gnomAD 0.00599 and 0.00633; TOPMed 0.00679.
gnomAD v4.1: 2,160 of 1,602,618 alleles (0.13%); highest among the groups gnomAD compares: African/African-American, 1.9%; 19 homozygotes.

Submissions (2):

GeneDx
Classification: Likely benign. Last evaluated: 2021-11-20. Review status: criteria provided, single submitter. Criteria: GeneDx Variant Classification Process June 2021. Collection method: clinical testing. Allele origin: germline. Affected: yes.
Comment: See Variant Classification Assertion Criteria.

Breakthrough Genomics
Classification: Likely benign. Review status: criteria provided, single submitter. Criteria: ACMG Guidelines, 2015. Collection method: not provided. Allele origin: germline. Inheritance: Autosomal recessive inheritance. Affected: yes.

NM_198576.4(AGRN):c.5142-50C>T

Gene: AGRN (agrin; plus strand). Cytogenetic location: 1p36.33.
Variant type: single nucleotide variant.
Coding change: c.5142-50C>T on transcript NM_198576.4 (MANE Select); 50 bases into the intron before coding-DNA position 5142, C replaced by T.
Molecular consequence: intron variant.
Genome position (GRCh38, 1-based): chr1:1,050,676, C>T. VCF-style: chr1-1050676-C-T. GRCh37 (hg19) VCF-style: chr1-986056-C-T.
Other names: c.5142-50C>T (NM_001305275.2); c.4827-50C>T (NM_001364727.2).
Identifiers: ClinVar variation 1686702 (VCV001686702.3), dbSNP rs28545735, ClinGen allele CA509880.